The following is an entry in ClinVar:

NM_001103.4(ACTN2):c.362-244A>G

Gene: ACTN2 (actinin alpha 2; plus strand). Cytogenetic location: 1q43.
Variant type: single nucleotide variant.
Coding change: c.362-244A>G on transcript NM_001103.4 (MANE Select); 244 bases into the intron before coding-DNA position 362, A replaced by G.
Molecular consequence: intron variant.
Genome position (GRCh38, 1-based): chr1:236,719,861, A>G. VCF-style: chr1-236719861-A-G. GRCh37 (hg19) VCF-style: chr1-236883161-A-G.
Other names: c.-460-244A>G (NM_001278344.2); c.362-244A>G (NM_001278343.2).
Identifiers: ClinVar variation 678437 (VCV000678437.2), dbSNP rs1773444, ClinGen allele CA39710379.

ClinVar aggregate classification (germline): Benign. Review status: criteria provided, multiple submitters, no conflicts (2 of 4 stars). 2 submissions from 2 submitters: Benign (2). Last evaluated 2018-06-14.

Allele frequency attached by ClinVar (database versions not stated): 1000 Genomes Project 30x 0.88460; TOPMed 0.89213; 1000 Genomes Project 0.89337; gnomAD 0.90354 and 0.90827.
gnomAD v4.1: 138,242 of 152,064 alleles (91%); highest among the groups gnomAD compares: Non-Finnish European, 100%; 63,859 homozygotes.

Submissions (2):

GeneDx
Classification: Benign. Last evaluated: 2018-06-14. Review status: criteria provided, single submitter. Criteria: GeneDx Variant Classification (06012015). Collection method: clinical testing. Allele origin: germline. Affected: yes.
Comment: This variant is considered likely benign or benign based on one or more of the following criteria: it is a conservative change, it occurs at a poorly conserved position in the protein, it is predicted to be benign by multiple in silico algorithms, and/or has population frequency not consistent with disease.

Breakthrough Genomics
Classification: Benign. Review status: criteria provided, single submitter. Criteria: ACMG Guidelines, 2015. Collection method: not provided. Allele origin: germline. Inheritance: Autosomal dominant inheritance. Affected: yes.